The following is an entry in ClinVar:

NM_031935.3(HMCN1):c.4269A>G (p.Pro1423=)

Gene: HMCN1 (hemicentin 1; plus strand). Cytogenetic location: 1q31.1.
Variant type: single nucleotide variant.
Coding change: c.4269A>G on transcript NM_031935.3 (MANE Select); coding-DNA position 4269, A replaced by G.
Protein change: p.Pro1423=; no amino-acid change (proline 1423 retained).
Molecular consequence: synonymous variant.
Genome position (GRCh38, 1-based): chr1:186,001,662, A>G. VCF-style: chr1-186001662-A-G. GRCh37 (hg19) VCF-style: chr1-185970794-A-G.
Identifiers: ClinVar variation 294141 (VCV000294141.16), dbSNP rs12087462, ClinGen allele CA1291956.

ClinVar aggregate classification (germline): Benign. Review status: criteria provided, multiple submitters, no conflicts (2 of 4 stars). 4 submissions from 4 submitters: Benign (4). Last evaluated 2026-01-27.

Conditions:
Age related macular degeneration 1 (ARMD1). Also called: MACULOPATHY, AGE-RELATED, 1. Identifiers: MedGen C1864205, MONDO:0011285, OMIM 603075.

Allele frequency attached by ClinVar (database versions not stated): gnomAD exomes 0.00358; ExAC 0.00442; gnomAD 0.01334 and 0.01418; ESP Exome Variant Server 0.01430; TOPMed 0.01509; 1000 Genomes Project 0.01797; 1000 Genomes Project 30x 0.01968.
gnomAD v4.1: 4,523 of 1,612,768 alleles (0.28%); highest among the groups gnomAD compares: African/African-American, 4.8%; 109 homozygotes.

Submissions (4):

Labcorp Genetics (formerly Invitae), Labcorp
Classification: Benign. Last evaluated: 2026-01-27. Review status: criteria provided, single submitter. Criteria: Invitae Variant Classification Sherloc (09022015). Collection method: clinical testing. Allele origin: germline.

Genome-Nilou Lab
Classification: Benign for Age related macular degeneration 1. Last evaluated: 2023-04-11. Review status: criteria provided, single submitter. Criteria: ACMG Guidelines, 2015. Collection method: clinical testing. Allele origin: germline. Affected: no.

Illumina Laboratory Services, Illumina
Classification: Benign for Age related macular degeneration 1. Last evaluated: 2018-01-12. Review status: criteria provided, single submitter. Criteria: ICSL Variant Classification Criteria 13 December 2019. Collection method: clinical testing. Allele origin: germline.
Comment: This variant was observed in the ICSL laboratory as part of a predisposition screen in an ostensibly healthy population. It had not been previously curated by ICSL or reported in the Human Gene Mutation Database (HGMD: prior to June 1st, 2018), and was therefore a candidate for classification through an automated scoring system. Utilizing variant allele frequency, disease prevalence and penetrance estimates, and inheritance mode, an automated score was calculated to assess if this variant is too frequent to cause the disease. Based on the score and internal cut-off values, a variant classified as benign is not then subjected to further curation. The score for this variant resulted in a classification of benign for this disease.

Breakthrough Genomics
Classification: Benign. Review status: criteria provided, single submitter. Criteria: ACMG Guidelines, 2015. Collection method: not provided. Allele origin: germline. Inheritance: Autosomal dominant inheritance. Affected: yes.